The following is an entry in ClinVar:

NM_001018005.2(TPM1):c.602C>T (p.Thr201Met)

Gene: TPM1 (tropomyosin 1; plus strand). Cytogenetic location: 15q22.2.
Variant type: single nucleotide variant.
Coding change: c.602C>T on transcript NM_001018005.2 (MANE Select); coding-DNA position 602, C replaced by T.
Protein change: p.Thr201Met; replaces threonine 201 with methionine.
Molecular consequence: missense variant. On other transcripts: intron variant (6).
Genome position (GRCh38, 1-based): chr15:63,061,751, C>T. VCF-style: chr15-63061751-C-T. GRCh37 (hg19) VCF-style: chr15-63353950-C-T.
Other names: p.T201M:ACG>ATG; c.602C>T, p.Thr201Met (NM_001018004.2, NM_001018007.2, NM_001301244.2 and 3 more transcripts); c.494C>T, p.Thr165Met (NM_001018008.2, NM_001301289.2, NM_001330346.2 and 2 more transcripts); c.728C>T, p.Thr243Met (NM_001365778.1); c.640-464C>T (NM_001018020.2, NM_001018006.2, NM_000366.6); c.532-464C>T (NM_001330351.2, NM_001330344.2, NM_001365781.2); short protein forms T201M, T243M, T165M.
Identifiers: ClinVar variation 181668 (VCV000181668.26), dbSNP rs730881141, ClinGen allele CA018240.

ClinVar aggregate classification (germline): Conflicting classifications of pathogenicity. Review status: criteria provided, conflicting classifications (1 of 4 stars). 9 submissions from 9 submitters: Pathogenic (2); Likely pathogenic (4); Uncertain significance (1). 2 of the submissions do not count toward it. Last evaluated 2026-07-27.

Conditions:
TPM1-related disorder. Also called: TPM1-related condition.
Cardiovascular phenotype. Identifiers: MedGen CN230736.
Cardiomyopathy (CMYO). Also called: Cardiomyopathies. Identifiers: Orphanet 167848, MedGen C0878544, MONDO:0004994, HP:0001638. Inheritance: Various modes of inheritance.
Dilated cardiomyopathy 1Y (CMD1Y). Identifiers: Orphanet 154, Orphanet 54260, MedGen C2678476, MONDO:0012744, OMIM 611878.
Hypertrophic cardiomyopathy. Also called: HYPERTROPHIC MYOCARDIOPATHY. Identifiers: Orphanet 217569, MedGen C0007194, MeSH D002312, MONDO:0005045, HP:0001639.

Submissions (9):

GeneDx
Classification: Likely pathogenic. Last evaluated: 2026-07-27. Review status: criteria provided, single submitter. Criteria: GeneDx Variant Classification Process June 2021. Collection method: clinical testing. Allele origin: germline.
Comment: Not observed at significant frequency in large population cohorts (gnomAD); In silico analysis supports that this missense variant has a deleterious effect on protein structure/function; Functional studies demonstrate p.(T201M) results in reduced calcium transient; however, the correlation with these findings to the clinical phenotype is unclear (PMID: 32882290); This variant is associated with the following publications: (PMID: 35029218, 34681814, 31983221, 32746448, 36264615, 32882290, 23349452, 38874371, 31090107, 40225148, Lee2024[paper])

Women's Health and Genetics/Laboratory Corporation of America, LabCorp
Classification: Pathogenic for Cardiomyopathy. Last evaluated: 2026-06-22. Review status: criteria provided, single submitter. Criteria: LabCorp Variant Classification Summary - May 2015. Collection method: clinical testing. Allele origin: germline.
Comment: Variant summary: TPM1 c.602C>T (p.Thr201Met) results in a non-conservative amino acid change in the encoded protein sequence. Algorithms developed to predict the effect of missense changes on protein structure and function all suggest that this variant is likely to be disruptive. The variant was absent in 251346 control chromosomes (gnomAD). c.602C>T has been observed in multiple individuals affected with Cardiomyopathy (e.g. van Spaendonck-Zwarts_2013, Mazzarotto_2020, Dorsch_2020), with evidence of segregation with disease. These data indicate that the variant is very likely to be associated with disease. At least one publication reports experimental evidence evaluating an impact on protein function, finding that the variant distrupts intracellular calcium handling (Dorsch_2020). The following publications have been ascertained in the context of this evaluation (PMID: 23349452, 31983221, 32882290). ClinVar contains an entry for this variant (Variation ID: 181668). Based on the evidence outlined above, the variant was classified as pathogenic.

Labcorp Genetics (formerly Invitae), Labcorp
Classification: Pathogenic for Hypertrophic cardiomyopathy. Last evaluated: 2025-12-14. Review status: criteria provided, single submitter. Criteria: Invitae Variant Classification Sherloc (09022015). Collection method: clinical testing. Allele origin: germline.
Comment: This sequence change replaces threonine, which is neutral and polar, with methionine, which is neutral and non-polar, at codon 201 of the TPM1 protein (p.Thr201Met). This variant is not present in population databases (gnomAD no frequency). This missense change has been observed in individuals with dilated cardiomyopathy (PMID: 23349452, 31983221, 32882290). It has also been observed to segregate with disease in related individuals. ClinVar contains an entry for this variant (Variation ID: 181668). An algorithm developed to predict the effect of missense changes on protein structure and function (PolyPhen-2) suggests that this variant is likely to be disruptive. Experimental studies have shown that this missense change affects TPM1 function (PMID: 32882290). For these reasons, this variant has been classified as Pathogenic.

Ambry Genetics
Classification: Likely pathogenic for Cardiovascular phenotype. Last evaluated: 2025-11-18. Review status: criteria provided, single submitter. Criteria: Ambry Variant Classification Scheme 2023. Collection method: clinical testing. Allele origin: germline.
Comment: The p.T201M variant (also known as c.602C>T), located in coding exon 6 of the TPM1 gene, results from a C to T substitution at nucleotide position 602. The threonine at codon 201 is replaced by methionine, an amino acid with similar properties. This variant was identified in one or more individuals with features consistent with dilated cardiomyopathy and segregated with disease in at least one family (Dorsch LM et al. Int J Cardiol, 2021 01;323:251-258; van Spaendonck-Zwarts KY et al. Eur J Heart Fail, 2013 Jun;15:628-36; Mazzarotto F et al. Circulation, 2020 02;141:387-398; Ambry internal data). In an assay testing TPM1 function, this variant showed a functionally abnormal result; however, the physiological relevance of this finding is unclear (Dorsch LM et al. Int J Cardiol, 2021 01;323:251-258). This amino acid position is highly conserved in available vertebrate species. In addition, this alteration is predicted to be deleterious by in silico analysis. This variant is considered to be rare based on population cohorts in the Genome Aggregation Database (gnomAD). Since supporting evidence is limited at this time, the clinical significance of this alteration remains unclear.

KardioGenetik, Herz- und Diabeteszentrum NRW
Classification: Uncertain significance for Dilated cardiomyopathy 1Y. Last evaluated: 2024-07-03. Review status: criteria provided, single submitter. Criteria: ACMG Guidelines, 2015. Collection method: clinical testing. Allele origin: unknown. Affected: yes. Observed: 1 variant allele.
Comment: PM2, PS3, PS4mod

All of Us Research Program, National Institutes of Health
Classification: Likely pathogenic for Hypertrophic cardiomyopathy. Last evaluated: 2024-05-13. Review status: criteria provided, single submitter. Criteria: ACMG Guidelines, 2015. Collection method: clinical testing. Allele origin: germline. Inheritance: Autosomal dominant inheritance. Observed: 2 variant alleles, 2 heterozygotes.
Comment: This missense variant replaces threonine with methionine at codon 201 in the actin binding domain of the TPM1 protein. Computational prediction is inconclusive regarding the impact of this variant on protein structure and function (internally defined REVEL score threshold 0.5 < inconclusive < 0.7, PMID: 27666373). A functional study using transfected cardiomyocytes has shown that this variant may impact calcium transients (PMID: 32882290). This variant has been reported in multiple unrelated individuals affected with dilated cardiomyopathy (PMID: 23349452, 31983221, 32746448, 32882290). In one large family, this variant has been shown to segregate with disease in 12 affected individuals ranging in age from 21 to 84 years; this variant was also present in 16 unaffected carriers, ranging in age from 3 to 56 years. By the age of 60, 55% of individuals carrying this variant in this family were diagnosed with dilated cardiomyopathy (PMID: 32882290). This variant has not been identified in the general population by the Genome Aggregation Database (gnomAD). Based on the available evidence, this variant is classified as Likely Pathogenic.

This study involves interpretation of variants in research participants for the purpose of population health screening. Participant phenotype was not available at the time of variant classification. Additional details can be found in publication PMID: 35346344, PMCID: PMC8962531

Blueprint Genetics
Classification: Likely pathogenic for TPM1-related disorders. Last evaluated: 2024-04-23. Review status: criteria provided, single submitter. Criteria: ACMG Guidelines, 2015. Collection method: clinical testing. Allele origin: germline. Affected: yes. Observed: 4 variant alleles.

Clinical Genetics, Academic Medical Center
Classification: Pathogenic. Review status: no assertion criteria provided. Collection method: clinical testing. Allele origin: germline. Affected: yes. Study: VKGL Data-share Consensus. Not counted in ClinVar's aggregate classification.

Diagnostic Laboratory, Department of Genetics, University Medical Center Groningen
Classification: Pathogenic. Review status: no assertion criteria provided. Collection method: clinical testing. Allele origin: germline. Affected: yes. Study: VKGL Data-share Consensus. Not counted in ClinVar's aggregate classification.

Literature cited by the submitters: PubMed 23349452 (cited by 4 submitters); PubMed 31983221 (cited by 4 submitters); PubMed 32882290 (cited by 4 submitters); PubMed 31090107 (cited by Ambry Genetics); PubMed 32746448 (cited by Ambry Genetics and All of Us Research Program, National Institutes of Health).